The following is an entry in ClinVar:

ClinVar aggregate classification (germline): Uncertain significance (1 of 4 stars; one submission).

Conditions:
Carney complex, type 1 (CNC1). Also called: CARNEY MYXOMA-ENDOCRINE COMPLEX; CARNEY COMPLEX, TYPE I. Identifiers: Orphanet 1359, MedGen C2607929, MONDO:0008057, OMIM 160980.

Submission:

Labcorp Genetics (formerly Invitae), Labcorp
Classification: Uncertain significance for Carney complex, type 1. Last evaluated: 2021-10-21. Review status: criteria provided, single submitter. Criteria: Invitae Variant Classification Sherloc (09022015). Collection method: clinical testing. Allele origin: germline.
Comment: This sequence change replaces glycine with alanine at codon 195 of the PRKAR1A protein (p.Gly195Ala). The glycine residue is highly conserved and there is a small physicochemical difference between glycine and alanine. This variant is not present in population databases (ExAC no frequency). This variant has not been reported in the literature in individuals affected with PRKAR1A-related conditions. Algorithms developed to predict the effect of missense changes on protein structure and function are either unavailable or do not agree on the potential impact of this missense change (SIFT: "Deleterious"; PolyPhen-2: "Benign"; Align-GVGD: "Class C0"). In summary, the available evidence is currently insufficient to determine the role of this variant in disease. Therefore, it has been classified as a Variant of Uncertain Significance.

NM_002734.5(PRKAR1A):c.584G>C (p.Gly195Ala)

Gene: PRKAR1A (protein kinase cAMP-dependent type I regulatory subunit alpha; plus strand). Cytogenetic location: 17q24.2.
Variant type: single nucleotide variant.
Coding change: c.584G>C on transcript NM_002734.5 (MANE Select); coding-DNA position 584, G replaced by C.
Protein change: p.Gly195Ala; replaces glycine 195 with alanine.
Molecular consequence: missense variant.
Genome position (GRCh38, 1-based): chr17:68,525,788, G>C. VCF-style: chr17-68525788-G-C. GRCh37 (hg19) VCF-style: chr17-66521929-G-C.
Other names: c.584G>C, p.Gly195Ala (NM_001276289.2, NM_001276290.1, NM_001278433.2 and 4 more transcripts); short protein forms G195A.
Identifiers: ClinVar variation 1388313 (VCV001388313.6), dbSNP rs2143322136, ClinGen allele CA400753128.